The following is an entry in ClinVar:

ClinVar aggregate classification (germline): Uncertain significance (1 of 4 stars; one submission).

Conditions:
Dilated cardiomyopathy 1HH (CMD1HH). Identifiers: Orphanet 154, MedGen C3151293, MONDO:0013479, OMIM 613881.
Myofibrillar myopathy 6. Identifiers: Orphanet 199340, MedGen C2751831, MONDO:0013061, OMIM 612954.

Submission:

Labcorp Genetics (formerly Invitae), Labcorp
Classification: Uncertain significance for Dilated cardiomyopathy 1HH; Myofibrillar myopathy 6. Last evaluated: 2023-11-24. Review status: criteria provided, single submitter. Criteria: Invitae Variant Classification Sherloc (09022015). Collection method: clinical testing. Allele origin: germline.
Comment: This sequence change replaces arginine, which is basic and polar, with threonine, which is neutral and polar, at codon 481 of the BAG3 protein (p.Arg481Thr). This variant is not present in population databases (gnomAD no frequency). This variant has not been reported in the literature in individuals affected with BAG3-related conditions. Advanced modeling of protein sequence and biophysical properties (such as structural, functional, and spatial information, amino acid conservation, physicochemical variation, residue mobility, and thermodynamic stability) performed at Invitae indicates that this missense variant is expected to disrupt BAG3 protein function with a positive predictive value of 80%. In summary, the available evidence is currently insufficient to determine the role of this variant in disease. Therefore, it has been classified as a Variant of Uncertain Significance.

NM_004281.4(BAG3):c.1442G>C (p.Arg481Thr)

Gene: BAG3 (BAG cochaperone 3; plus strand). Cytogenetic location: 10q26.11.
Variant type: single nucleotide variant.
Coding change: c.1442G>C on transcript NM_004281.4 (MANE Select); coding-DNA position 1442, G replaced by C.
Protein change: p.Arg481Thr; replaces arginine 481 with threonine.
Molecular consequence: missense variant.
Genome position (GRCh38, 1-based): chr10:119,676,996, G>C. VCF-style: chr10-119676996-G-C. GRCh37 (hg19) VCF-style: chr10-121436508-G-C.
Other names: short protein forms R481T.
Identifiers: ClinVar variation 2954137 (VCV002954137.3), dbSNP rs1847247888, ClinGen allele CA378297325.
Genomic context (GRCh38, chr10:119,676,996, plus strand): 5'-AGCTGCTGGCCCTGGATTCAGTGGACCCCGAGGGACGAGCCGATGTGCGTCAGGCCAGGA[G>C]AGACGGTGTCAGGAAGGTTCAGACCATCTTGGAAAAACTTGAACAGAAAGCCATTGATGT-3'
Protein context (NP_004272.2, residues 471-491): EGRADVRQAR[Arg481Thr]DGVRKVQTIL